The following is an entry in ClinVar:

NM_172240.3(POC1B):c.37del (p.Tyr13fs)

Genes: POC1B (POC1 centriolar protein B; minus strand), POC1B-DUSP6 (POC1B-DUSP6 readthrough; minus strand), POC1B-GALNT4 (POC1B-GALNT4 readthrough; minus strand), LOC130008356 (ATAC-STARR-seq lymphoblastoid silent region 4693; plus strand). Cytogenetic location: 12q21.33.
Variant type: Deletion.
Coding change: c.37del on transcript NM_172240.3 (MANE Select); coding-DNA position 37, one base deleted (T; older notation c.37delT).
Protein change: p.Tyr13fs; shifts the reading frame from tyrosine 13.
Molecular consequence: frameshift variant. On other transcripts: 5 prime UTR variant (1), non-coding transcript variant (2).
Genome position (GRCh38, 1-based): chr12:89,525,183, A deleted on the plus strand (T on the coding strand, the reverse complement: POC1B is on the minus strand); the first of 2 consecutive A bases (chr12:89,525,183-89,525,184); deleting either gives the same sequence. VCF-style (leftmost placement, unchanged base first): chr12-89525182-TA-T. GRCh37 (hg19) VCF-style: chr12-89918959-TA-T.
Other names: c.37del, p.Tyr13fs (NM_001199781.2); c.297del, p.Ile100fs (NM_001199782.1); c.-90del (NM_001199777.2); short protein forms Y13fs, I100fs.
Identifiers: ClinVar variation 2822203 (VCV002822203.3), dbSNP rs2540560824, ClinGen allele CA2739272205.

ClinVar aggregate classification (germline): Pathogenic (1 of 4 stars; one submission).

Submission:

Labcorp Genetics (formerly Invitae), Labcorp
Classification: Pathogenic. Last evaluated: 2023-05-01. Review status: criteria provided, single submitter. Criteria: Invitae Variant Classification Sherloc (09022015). Collection method: clinical testing. Allele origin: germline.
Comment: For these reasons, this variant has been classified as Pathogenic. This variant has not been reported in the literature in individuals affected with POC1B-related conditions. This variant is not present in population databases (gnomAD no frequency). This sequence change creates a premature translational stop signal (p.Tyr13Ilefs*51) in the POC1B gene. It is expected to result in an absent or disrupted protein product. Loss-of-function variants in POC1B are known to be pathogenic (PMID: 25018096, 29220607).

Literature cited by the submitters: PubMed 25018096; PubMed 29220607.